The following is an entry in ClinVar:

NM_005562.3(LAMC2):c.92A>G (p.Asn31Ser)

Gene: LAMC2 (laminin subunit gamma 2; plus strand). Cytogenetic location: 1q25.3.
Variant type: single nucleotide variant.
Coding change: c.92A>G on transcript NM_005562.3 (MANE Select); coding-DNA position 92, A replaced by G.
Protein change: p.Asn31Ser; replaces asparagine 31 with serine.
Molecular consequence: missense variant.
Genome position (GRCh38, 1-based): chr1:183,207,893, A>G. VCF-style: chr1-183207893-A-G. GRCh37 (hg19) VCF-style: chr1-183177028-A-G.
Other names: c.92A>G, p.Asn31Ser (NM_018891.3); short protein forms N31S.
Identifiers: ClinVar variation 2733216 (VCV002733216.3), dbSNP rs868277253, ClinGen allele CA33955266.
Genomic context (GRCh38, chr1:183,207,893, plus strand): 5'-GTGTTTTTTTTTTTTTTTGACGATCTCTTTTGTATGCTTCCTCCCCAGTCTGTGATTGCA[A>G]TGGGAAGTCCAGGCAGTGTATCTTTGATCGGGAACTTCACAGACAAACTGGTAATGGATT-3'
Protein context (NP_005553.2, residues 21-41): ATSRREVCDC[Asn31Ser]GKSRQCIFDR

ClinVar aggregate classification (germline): Uncertain significance (1 of 4 stars; one submission).

Allele frequency attached by ClinVar (database versions not stated): gnomAD exomes below 0.00001; gnomAD 0.00001; TOPMed 0.00003.
gnomAD v4.1: 6 of 1,610,022 alleles (0.00037%); highest among the groups gnomAD compares: African/African-American, 0.0068%; no homozygotes.

Submission:

Labcorp Genetics (formerly Invitae), Labcorp
Classification: Uncertain significance. Last evaluated: 2024-01-25. Review status: criteria provided, single submitter. Criteria: Invitae Variant Classification Sherloc (09022015). Collection method: clinical testing. Allele origin: germline.
Comment: This sequence change replaces asparagine, which is neutral and polar, with serine, which is neutral and polar, at codon 31 of the LAMC2 protein (p.Asn31Ser). This variant is not present in population databases (gnomAD no frequency). This variant has not been reported in the literature in individuals affected with LAMC2-related conditions. Algorithms developed to predict the effect of missense changes on protein structure and function output the following: SIFT: "Not Available"; PolyPhen-2: "Benign"; Align-GVGD: "Not Available". The serine amino acid residue is found in multiple mammalian species, which suggests that this missense change does not adversely affect protein function. In summary, the available evidence is currently insufficient to determine the role of this variant in disease. Therefore, it has been classified as a Variant of Uncertain Significance.